The following is an entry in ClinVar:

NM_016333.4(SRRM2):c.3981T>C (p.Phe1327=)

Gene: SRRM2 (serine/arginine repetitive matrix 2; plus strand). Cytogenetic location: 16p13.3.
Variant type: single nucleotide variant.
Coding change: c.3981T>C on transcript NM_016333.4 (MANE Select); coding-DNA position 3981, T replaced by C.
Protein change: p.Phe1327=; no amino-acid change (phenylalanine 1327 retained).
Molecular consequence: synonymous variant.
Genome position (GRCh38, 1-based): chr16:2,764,509, T>C. VCF-style: chr16-2764509-T-C. GRCh37 (hg19) VCF-style: chr16-2814510-T-C.
Identifiers: ClinVar variation 2646072 (VCV002646072.24), dbSNP rs2505608356, ClinGen allele CA493369543.
Genomic context (GRCh38, chr16:2,764,509, plus strand): 5'-GCCACATTTTTCTCCAGAACATAAAGAACTGTCTAACTCCCCACTCAGGGAGAACAGCTT[T>C]GGATCACCTTTAGAATTTAGAAACTCAGGCCCACTTGGTACAGAAATGAATACTGGATTT-3'
Protein context (NP_057417.3, residues 1317-1337): LSNSPLRENS[Phe1327=]GSPLEFRNSG

ClinVar aggregate classification (germline): Likely benign (1 of 4 stars; one submission).

Allele frequency attached by ClinVar (database versions not stated): gnomAD exomes below 0.00001.
gnomAD v4.1: 2 of 1,614,218 alleles (0.00012%); highest among the groups gnomAD compares: Non-Finnish European, 0.00017%; no homozygotes.

Submission:

CeGaT Center for Human Genetics Tuebingen
Classification: Likely benign. Last evaluated: 2022-04-01. Review status: criteria provided, single submitter. Criteria: CeGaT Center For Human Genetics Tuebingen Variant Classification Criteria Version 2. Collection method: clinical testing. Allele origin: germline. Affected: yes. Observed: 1 variant allele.
Comment: SRRM2: PM2:Supporting, BP4, BP7